The following is an entry in ClinVar:

NM_000235.4(LIPA):c.881del (p.Leu294fs)

Gene: LIPA (lipase A, lysosomal acid type; minus strand). Cytogenetic location: 10q23.31.
Variant type: Deletion.
Coding change: c.881del on transcript NM_000235.4 (MANE Select); coding-DNA position 881, one base deleted (T; older notation c.881delT).
Protein change: p.Leu294fs; shifts the reading frame from leucine 294.
Molecular consequence: frameshift variant.
Genome position (GRCh38, 1-based): chr10:89,222,524, A deleted on the plus strand (T on the coding strand, the reverse complement: LIPA is on the minus strand); the first of 2 consecutive A bases (chr10:89,222,524-89,222,525); deleting either gives the same sequence. VCF-style (leftmost placement, unchanged base first): chr10-89222523-TA-T. GRCh37 (hg19) VCF-style: chr10-90982280-TA-T.
Other names: c.881del, p.Leu294fs (NM_001127605.3, NM_001440818.1, NM_001440819.1 and 16 more transcripts); c.533del, p.Leu178fs (NM_001288979.2); c.1013del, p.Leu338fs (NM_001440836.1); c.902del, p.Leu301fs (NM_001440837.1); c.896del, p.Leu299fs (NM_001440838.1); c.713del, p.Leu238fs (NM_001440839.1); short protein forms L178fs, L238fs, L294fs, L299fs, L301fs, L338fs.
Identifiers: ClinVar variation 4817961 (VCV004817961.1).

ClinVar aggregate classification (germline): Likely pathogenic (1 of 4 stars; one submission).

Conditions:
Lysosomal acid lipase deficiency. Also called: Acid cholesteryl ester hydrolase deficiency, type 2. Identifiers: Orphanet 275761, MedGen C5574740, MONDO:0800449, MONDO:0010204.

Submission:

Natera, Inc.
Classification: Likely pathogenic for Lysosomal acid lipase deficiency. Last evaluated: 2024-06-03. Review status: criteria provided, single submitter. Criteria: Natera Variant Classification Schema (03/2026). Collection method: clinical testing. Allele origin: germline.
Comment: The c.881del variant in LIPA is a frameshift variant predicted to shift the reading frame beginning at codon 294 and leads to a stop codon 37 codons downstream. This variant is expected to result in nonsense mediated decay, truncation, or a dysfunctional protein product. This variant is rare in the general population with a frequency below the threshold expected for the associated phenotype(s). Given the available evidence, this variant is classified as Likely Pathogenic.